The following is an entry in ClinVar:

ClinVar aggregate classification (germline): Uncertain significance (1 of 4 stars; one submission).

Conditions:
Myopathy, tubular aggregate, 2 (TAM2). Identifiers: MedGen C4014557, MONDO:0014383, OMIM 615883.
Combined immunodeficiency due to ORAI1 deficiency. Also called: IMMUNODEFICIENCY 9. Identifiers: Orphanet 169090, Orphanet 317428, MedGen C2748568, MONDO:0013007, OMIM 612782.

Allele frequency attached by ClinVar (database versions not stated): gnomAD exomes 0.00001; gnomAD 0.00001; TOPMed 0.00002.

Submission:

Labcorp Genetics (formerly Invitae), Labcorp
Classification: Uncertain significance for Myopathy, tubular aggregate, 2; Combined immunodeficiency due to ORAI1 deficiency. Last evaluated: 2025-08-05. Review status: criteria provided, single submitter. Criteria: Invitae Variant Classification Sherloc (09022015). Collection method: clinical testing. Allele origin: germline.
Comment: This sequence change replaces arginine, which is basic and polar, with histidine, which is basic and polar, at codon 170 of the ORAI1 protein (p.Arg170His). This variant is not present in population databases (gnomAD no frequency). This variant has not been reported in the literature in individuals affected with ORAI1-related conditions. ClinVar contains an entry for this variant (Variation ID: 1917116). Experimental studies and prediction algorithms are not available or were not evaluated, and the functional significance of this variant is currently unknown. In summary, the available evidence is currently insufficient to determine the role of this variant in disease. Therefore, it has been classified as a Variant of Uncertain Significance.

NC_000012.12:g.121641246G>A

Gene: ORAI1 (ORAI calcium release-activated calcium modulator 1; plus strand). Cytogenetic location: 12q24.31.
Variant type: single nucleotide variant.
Genome position: GRCh38 VCF-style: chr12-121641246-G-A. GRCh37 (hg19) VCF-style: chr12-122079152-G-A.
Other names: c.509G>A, p.Arg170His (NM_032790.4); short protein forms R170H.
Identifiers: ClinVar variation 1917116 (VCV001917116.5), dbSNP rs1893054064, ClinGen allele CA386983389.
Genomic context (GRCh38, chr12:121,641,246, plus strand): 5'-CGGTGAGCAACGTGCACAATCTCAACTCGGTCAAGGAGTCCCCCCATGAGCGCATGCACC[G>A]CCACATCGAGCTGGCCTGGGCCTTCTCCACCGTCATCGGCACGCTGCTCTTCCTAGCTGA-3'